The following is an entry in ClinVar:

NM_001184880.2(PCDH19):c.1715del (p.Thr572fs)

Gene: PCDH19 (protocadherin 19; minus strand). Cytogenetic location: Xq22.1.
Variant type: Deletion.
Coding change: c.1715del on transcript NM_001184880.2 (MANE Select); coding-DNA position 1715, one base deleted (C; older notation c.1715delC).
Protein change: p.Thr572fs; shifts the reading frame from threonine 572.
Molecular consequence: frameshift variant.
Genome position (GRCh38, 1-based): chrX:100,406,883, G deleted on the plus strand (C on the coding strand, the reverse complement: PCDH19 is on the minus strand). VCF-style (leftmost placement, unchanged base first): chrX-100406882-AG-A. GRCh37 (hg19) VCF-style: chrX-99661880-AG-A.
Other names: c.1715del, p.Thr572fs (NM_001105243.2, NM_020766.3); short protein forms T572fs.
Identifiers: ClinVar variation 2853644 (VCV002853644.3), dbSNP rs2520979216, ClinGen allele CA2739273661.

ClinVar aggregate classification (germline): Pathogenic (1 of 4 stars; one submission).

Conditions:
Developmental and epileptic encephalopathy, 9 (DEE9). Also called: Early infantile epileptic encephalopathy 9; JUBERG-HELLMAN SYNDROME; PCDH19-Related X-Linked Female-Limited Epilepsy with Mental Retardation; EPILEPSY, FEMALE-RESTRICTED, WITH MENTAL RETARDATION. Identifiers: Orphanet 101039, Orphanet 2076, MedGen C1848137, MONDO:0010246, OMIM 300088. Disease mechanism: loss of function.

Submission:

Labcorp Genetics (formerly Invitae), Labcorp
Classification: Pathogenic for Developmental and epileptic encephalopathy, 9. Last evaluated: 2023-04-08. Review status: criteria provided, single submitter. Criteria: Invitae Variant Classification Sherloc (09022015). Collection method: clinical testing. Allele origin: germline.
Comment: For these reasons, this variant has been classified as Pathogenic. This variant has not been reported in the literature in individuals affected with PCDH19-related conditions. This variant is not present in population databases (gnomAD no frequency). This sequence change creates a premature translational stop signal (p.Thr572Metfs*12) in the PCDH19 gene. It is expected to result in an absent or disrupted protein product. Loss-of-function variants in PCDH19 are known to be pathogenic (PMID: 21053371).

Literature cited by the submitters: PubMed 21053371.